The following is an entry in ClinVar:

ClinVar aggregate classification (germline): Pathogenic (1 of 4 stars; one submission).

Submission:

Labcorp Genetics (formerly Invitae), Labcorp
Classification: Pathogenic. Last evaluated: 2021-10-21. Review status: criteria provided, single submitter. Criteria: Invitae Variant Classification Sherloc (09022015). Collection method: clinical testing. Allele origin: germline.
Comment: Advanced modeling of protein sequence and biophysical properties (such as structural, functional, and spatial information, amino acid conservation, physicochemical variation, residue mobility, and thermodynamic stability) performed at Invitae indicates that this missense variant is expected to disrupt ABCA4 protein function. For these reasons, this variant has been classified as Pathogenic. This variant disrupts the p.Ile1100 amino acid residue in ABCA4. Other variant(s) that disrupt this residue have been observed in individuals with ABCA4-related conditions (PMID: 23982839, 28041643; Invitae), which suggests that this may be a clinically significant amino acid residue. This missense change has been observed in individual(s) with Stargardt disease (Invitae). This variant is not present in population databases (ExAC no frequency). This sequence change replaces isoleucine with methionine at codon 1100 of the ABCA4 protein (p.Ile1100Met). The isoleucine residue is highly conserved and there is a small physicochemical difference between isoleucine and methionine.

Literature cited by the submitters: PubMed 23982839; PubMed 28041643.

NM_000350.3(ABCA4):c.3300C>G (p.Ile1100Met)

Gene: ABCA4 (ATP binding cassette subfamily A member 4; minus strand). Cytogenetic location: 1p22.1.
Variant type: single nucleotide variant.
Coding change: c.3300C>G on transcript NM_000350.3 (MANE Select); coding-DNA position 3300, C replaced by G.
Protein change: p.Ile1100Met; replaces isoleucine 1100 with methionine.
Molecular consequence: missense variant.
Genome position (GRCh38, 1-based): chr1:94,042,789, G>C on the plus strand (C>G on the coding strand, the complement: ABCA4 is on the minus strand). VCF-style: chr1-94042789-G-C. GRCh37 (hg19) VCF-style: chr1-94508345-G-C.
Other names: c.3078C>G, p.Ile1026Met (NM_001425324.1); short protein forms I1100M, I1026M.
Identifiers: ClinVar variation 1423886 (VCV001423886.6), dbSNP rs2101050504, ClinGen allele CA341291987.
Genomic context (GRCh38, chr1:94,042,789, plus strand): 5'-CCCAGCCCAGGAGACTGAGCAGCAGCTGTTACCTGAGCGATACTTCAGGAGCAGATCCCA[G>C]ATTGAGCGTCTCGAGTAAGGGTCCACCCCAGAGGTGGGTTCGTCCAGAATCACCACCTTG-3'
Protein context (NP_000341.2, residues 1090-1110): SGVDPYSRRS[Ile1100Met]WDLLLKYRSG